The following is an entry in ClinVar:

NM_078474.3(TM2D3):c.677C>T (p.Thr226Met)

Gene: TM2D3 (TM2 domain containing 3; minus strand). Cytogenetic location: 15q26.3.
Variant type: single nucleotide variant.
Coding change: c.677C>T on transcript NM_078474.3 (MANE Select); coding-DNA position 677, C replaced by T.
Protein change: p.Thr226Met; replaces threonine 226 with methionine.
Molecular consequence: missense variant. On other transcripts: intron variant (2).
Genome position (GRCh38, 1-based): chr15:101,642,546, G>A on the plus strand (C>T on the coding strand, the complement: TM2D3 is on the minus strand). VCF-style: chr15-101642546-G-A. GRCh37 (hg19) VCF-style: chr15-102182749-G-A.
Other names: c.599C>T, p.Thr200Met (NM_025141.4); c.500+2541C>T (NM_001307960.2); c.578+2541C>T (NM_001308026.2); short protein forms T200M, T226M.
Identifiers: ClinVar variation 3370441 (VCV003370441.1).

ClinVar aggregate classification (germline): Likely pathogenic (0 of 4 stars; one submission).

Conditions:
TM2D3-related disorder.

gnomAD v4.1: 17 of 1,613,250 alleles (0.0011%); highest among the groups gnomAD compares: African/African-American, 0.013%; no homozygotes.

Submission:

Medical Genetics Department, University Hospital Nantes, CHU Nantes
Classification: Likely pathogenic for TM2D3-related disorder. Last evaluated: 2024-10-31. Review status: no assertion criteria provided. Collection method: research. Allele origin: germline. Affected: yes.
Comment: ACMG criteria applied: PM2 (At extreme low frequency), PM3 (Detected in trans with a pathogenic variant), PP1 (Co-segregation with disease in multiple family members)